The following is an entry in ClinVar:

ClinVar aggregate classification (germline): Uncertain significance. Review status: criteria provided, multiple submitters, no conflicts (2 of 4 stars). 3 submissions from 3 submitters: Uncertain significance (2). 1 of the submissions does not count toward it. Last evaluated 2026-02-17.

Conditions:
Cerebral creatine deficiency syndrome. Also called: Creatine deficiency syndromes. Identifiers: Orphanet 79172, MedGen C5244016, MONDO:0000456.
Deficiency of guanidinoacetate methyltransferase (CCDS2). Also called: CEREBRAL CREATINE DEFICIENCY SYNDROME 2; Guanidinoacetate Methyltransferase (GAMT) Deficiency; GAMT DEFICIENCY. Identifiers: Orphanet 382, MedGen C0574080, MONDO:0012999, OMIM 612736.

gnomAD v4.1: 96 of 1,613,156 alleles (0.006%); highest among the groups gnomAD compares: South Asian, 0.096%; no homozygotes.

Submissions (3):

Women's Health and Genetics/Laboratory Corporation of America, LabCorp
Classification: Uncertain significance. Last evaluated: 2026-02-17. Review status: criteria provided, single submitter. Criteria: LabCorp Variant Classification Summary - May 2015. Collection method: clinical testing. Allele origin: germline.

Labcorp Genetics (formerly Invitae), Labcorp
Classification: Uncertain significance for Cerebral creatine deficiency syndrome. Last evaluated: 2021-06-24. Review status: criteria provided, single submitter. Criteria: Invitae Variant Classification Sherloc (09022015). Collection method: clinical testing. Allele origin: germline.
Comment: This sequence change falls in intron 5 of the GAMT gene. It does not directly change the encoded amino acid sequence of the GAMT protein. It affects a nucleotide within the consensus splice site of the intron. This variant is present in population databases (rs199678332, ExAC 0.1%). This variant has not been reported in the literature in individuals with GAMT-related conditions. ClinVar contains an entry for this variant (Variation ID: 859734). Nucleotide substitutions within the consensus splice site are a relatively common cause of aberrant splicing (PMID: 17576681, 9536098). Algorithms developed to predict the effect of sequence changes on RNA splicing suggest that this variant may disrupt the consensus splice site, but this prediction has not been confirmed by published transcriptional studies. In summary, the available evidence is currently insufficient to determine the role of this variant in disease. Therefore, it has been classified as a Variant of Uncertain Significance.

Natera, Inc.
Classification: Uncertain significance for Guanidinoacetate methyltransferase deficiency. Last evaluated: 2020-01-24. Review status: no assertion criteria provided. Collection method: clinical testing. Allele origin: germline. Not counted in ClinVar's aggregate classification.

Literature cited by the submitters: PubMed 17576681 (cited by Labcorp Genetics (formerly Invitae), Labcorp); PubMed 9536098 (cited by Labcorp Genetics (formerly Invitae), Labcorp).

NM_000156.6(GAMT):c.570+5G>T

Gene: GAMT (guanidinoacetate N-methyltransferase; minus strand). Cytogenetic location: 19p13.3.
Variant type: single nucleotide variant.
Coding change: c.570+5G>T on transcript NM_000156.6 (MANE Select); 5 bases into the intron after coding-DNA position 570, G replaced by T.
Molecular consequence: intron variant. On other transcripts: missense variant (1).
Genome position (GRCh38, 1-based): chr19:1,398,911, C>A on the plus strand (G>T on the coding strand, the complement: GAMT is on the minus strand). VCF-style: chr19-1398911-C-A. GRCh37 (hg19) VCF-style: chr19-1398910-C-A.
Other names: c.575G>T, p.Arg192Leu (NM_138924.3); short protein forms R192L.
Identifiers: ClinVar variation 859734 (VCV000859734.5), dbSNP rs199678332, ClinGen allele CA9043609.
Genomic context (GRCh38, chr19:1,398,911, plus strand): 5'-GCCCCTTCCCACCCCCATCCAAGGTCACTTCCTGGAGACCCATGGGGAACTTCAGGTGGG[C>A]GCACCTCAAACATGATGGTGATGTCTGAGTACTTGGACTTCATCAGCTCCCCCCAGGAGG-3'